The following is an entry in ClinVar:

NM_022072.5(NSUN3):c.627A>T (p.Leu209Phe)

Gene: NSUN3 (NOP2/Sun RNA methyltransferase 3; plus strand). Cytogenetic location: 3q11.2.
Variant type: single nucleotide variant.
Coding change: c.627A>T on transcript NM_022072.5 (MANE Select); coding-DNA position 627, A replaced by T.
Protein change: p.Leu209Phe; replaces leucine 209 with phenylalanine.
Molecular consequence: missense variant.
Genome position (GRCh38, 1-based): chr3:94,095,038, A>T. VCF-style: chr3-94095038-A-T. GRCh37 (hg19) VCF-style: chr3-93813882-A-T.
Other names: c.627A>T (NM_022072.3); short protein forms L209F.
Identifiers: ClinVar variation 2170915 (VCV002170915.5), dbSNP rs200472930, ClinGen allele CA2504751.

ClinVar aggregate classification (germline): Uncertain significance. Review status: criteria provided, multiple submitters, no conflicts (2 of 4 stars). 2 submissions from 2 submitters: Uncertain significance (2). Last evaluated 2022-09-01.

Conditions:
Inborn genetic diseases. Identifiers: MedGen C0950123, MeSH D030342.

Allele frequency attached by ClinVar (database versions not stated): ExAC 0.00003; TOPMed 0.00003; gnomAD 0.00005.

Submissions (2):

Labcorp Genetics (formerly Invitae), Labcorp
Classification: Uncertain significance. Last evaluated: 2022-09-01. Review status: criteria provided, single submitter. Criteria: Invitae Variant Classification Sherloc (09022015). Collection method: clinical testing. Allele origin: germline.
Comment: In summary, the available evidence is currently insufficient to determine the role of this variant in disease. Therefore, it has been classified as a Variant of Uncertain Significance. Algorithms developed to predict the effect of missense changes on protein structure and function are either unavailable or do not agree on the potential impact of this missense change (SIFT: "Deleterious"; PolyPhen-2: "Probably Damaging"; Align-GVGD: "Class C15"). This variant has not been reported in the literature in individuals affected with NSUN3-related conditions. This variant is present in population databases (rs200472930, gnomAD 0.008%). This sequence change replaces leucine, which is neutral and non-polar, with phenylalanine, which is neutral and non-polar, at codon 209 of the NSUN3 protein (p.Leu209Phe).

Ambry Genetics
Classification: Uncertain significance for Inborn genetic diseases. Last evaluated: 2022-04-13. Review status: criteria provided, single submitter. Criteria: Ambry Variant Classification Scheme 2023. Collection method: clinical testing. Allele origin: germline.